The following is an entry in ClinVar:

ClinVar aggregate classification (germline): Uncertain significance (1 of 4 stars; one submission).

gnomAD v4.1: 11 of 1,613,222 alleles (0.00068%); highest among the groups gnomAD compares: African/African-American, 0.0027%; no homozygotes.

Submission:

Women's Health and Genetics/Laboratory Corporation of America, LabCorp
Classification: Uncertain significance. Last evaluated: 2025-11-26. Review status: criteria provided, single submitter. Criteria: LabCorp Variant Classification Summary - May 2015. Collection method: clinical testing. Allele origin: germline.
Comment: Variant summary: TNXB c.509C>T (p.Pro170Leu) results in a non-conservative amino acid change in the encoded protein sequence. Algorithms developed to predict the effect of missense changes on protein structure and function are either unavailable or do not agree on the potential impact of this missense change. The variant allele was found at a frequency of 8.1e-06 in 247746 control chromosomes. The available data on variant occurrences in the general population are insufficient to allow any conclusion about variant significance. To our knowledge, no occurrence of c.509C>T in individuals affected with TNXB-related conditions and no experimental evidence demonstrating its impact on protein function have been reported. No submitters have cited clinical-significance assessments for this variant to ClinVar. Based on the evidence outlined above, the variant was classified as uncertain significance.

NM_001365276.2(TNXB):c.509C>T (p.Pro170Leu)

Gene: TNXB (tenascin XB; minus strand). Cytogenetic location: 6p21.33.
Variant type: single nucleotide variant.
Coding change: c.509C>T on transcript NM_001365276.2 (MANE Select); coding-DNA position 509, C replaced by T.
Protein change: p.Pro170Leu; replaces proline 170 with leucine.
Molecular consequence: missense variant.
Genome position (GRCh38, 1-based): chr6:32,097,344, G>A on the plus strand (C>T on the coding strand, the complement: TNXB is on the minus strand). VCF-style: chr6-32097344-G-A. GRCh37 (hg19) VCF-style: chr6-32065121-G-A.
Other names: c.509C>T, p.Pro170Leu (NM_001428335.1, NM_019105.8); short protein forms P170L.
Identifiers: ClinVar variation 4536919 (VCV004536919.1).